The following is an entry in ClinVar:

ClinVar aggregate classification (germline): Conflicting classifications of pathogenicity. Review status: criteria provided, conflicting classifications (1 of 4 stars). 4 submissions from 4 submitters: Uncertain significance (1); Benign (1); Likely benign (2). Last evaluated 2026-01-18.

Conditions:
Weaver syndrome (WVS). Also called: Weaver Smith syndrome; Overgrowth syndrome with accelerated skeletal maturation, unusual facies, and camptodactyly. Identifiers: Orphanet 3447, MedGen C0265210, MONDO:0010193, OMIM 277590.

Allele frequency attached by ClinVar (database versions not stated): TOPMed 0.00015; ESP Exome Variant Server 0.00023; gnomAD 0.00012 and 0.00014.
gnomAD v4.1: 239 of 1,613,110 alleles (0.015%); highest among the groups gnomAD compares: Middle Eastern, 0.35%; 1 homozygote.

Submissions (4):

Labcorp Genetics (formerly Invitae), Labcorp
Classification: Benign for Weaver syndrome. Last evaluated: 2026-01-18. Review status: criteria provided, single submitter. Criteria: Invitae Variant Classification Sherloc (09022015). Collection method: clinical testing. Allele origin: germline.

Blueprint Genetics
Classification: Likely benign. Last evaluated: 2024-11-06. Review status: criteria provided, single submitter. Criteria: ACMG Guidelines, 2015. Collection method: clinical testing. Allele origin: germline.

CeGaT Center for Human Genetics Tuebingen
Classification: Likely benign. Last evaluated: 2024-03-01. Review status: criteria provided, single submitter. Criteria: CeGaT Center For Human Genetics Tuebingen Variant Classification Criteria Version 2. Collection method: clinical testing. Allele origin: germline. Affected: yes. Observed: 1 variant allele.
Comment: EZH2: BP4, BP7, BS1

Genetic Services Laboratory, University of Chicago
Classification: Uncertain significance for Weaver syndrome. Last evaluated: 2013-03-04. Review status: criteria provided, single submitter. Criteria: ACMG Guidelines, 2007. Collection method: clinical testing. Allele origin: germline. Inheritance: Autosomal dominant inheritance.

NM_004456.5(EZH2):c.1884C>G (p.Gly628=)

Gene: EZH2 (enhancer of zeste 2 polycomb repressive complex 2 subunit; minus strand). Cytogenetic location: 7q36.1.
Variant type: single nucleotide variant.
Coding change: c.1884C>G on transcript NM_004456.5 (MANE Select); coding-DNA position 1884, C replaced by G.
Protein change: p.Gly628=; no amino-acid change (glycine 628 retained).
Molecular consequence: synonymous variant.
Genome position (GRCh38, 1-based): chr7:148,811,688, G>C on the plus strand (C>G on the coding strand, the complement: EZH2 is on the minus strand). VCF-style: chr7-148811688-G-C. GRCh37 (hg19) VCF-style: chr7-148508780-G-C.
Other names: c.1869C>G, p.Gly623= (NM_001203247.2); c.1842C>G, p.Gly614= (NM_001203248.2); c.1716C>G, p.Gly572= (NM_001203249.2); c.1752C>G, p.Gly584= (NM_152998.3).
Identifiers: ClinVar variation 158580 (VCV000158580.38), dbSNP rs61732846, ClinGen allele CA271509.